The following is an entry in ClinVar:

ClinVar aggregate classification (germline): Uncertain significance (1 of 4 stars; one submission).

Allele frequency attached by ClinVar (database versions not stated): gnomAD exomes below 0.00001; gnomAD 0.00001; TOPMed 0.00001.
gnomAD v4.1: 3 of 1,614,056 alleles (0.00019%); highest among the groups gnomAD compares: African/African-American, 0.004%; no homozygotes.

Submission:

Labcorp Genetics (formerly Invitae), Labcorp
Classification: Uncertain significance. Last evaluated: 2022-11-08. Review status: criteria provided, single submitter. Criteria: Invitae Variant Classification Sherloc (09022015). Collection method: clinical testing. Allele origin: germline.
Comment: This variant has not been reported in the literature in individuals affected with PSENEN-related conditions. In summary, the available evidence is currently insufficient to determine the role of this variant in disease. Therefore, it has been classified as a Variant of Uncertain Significance. Algorithms developed to predict the effect of missense changes on protein structure and function (SIFT, PolyPhen-2, Align-GVGD) all suggest that this variant is likely to be tolerated. This variant is present in population databases (no rsID available, gnomAD 0.01%). This sequence change replaces tryptophan, which is neutral and slightly polar, with serine, which is neutral and polar, at codon 58 of the PSENEN protein (p.Trp58Ser).

NM_172341.4(PSENEN):c.173G>C (p.Trp58Ser)

Gene: PSENEN (presenilin enhancer, gamma-secretase subunit; plus strand). Cytogenetic location: 19q13.12.
Variant type: single nucleotide variant.
Coding change: c.173G>C on transcript NM_172341.4 (MANE Select); coding-DNA position 173, G replaced by C.
Protein change: p.Trp58Ser; replaces tryptophan 58 with serine.
Molecular consequence: missense variant.
Genome position (GRCh38, 1-based): chr19:35,746,714, G>C. VCF-style: chr19-35746714-G-C. GRCh37 (hg19) VCF-style: chr19-36237615-G-C.
Other names: c.173G>C, p.Trp58Ser (NM_001281532.3); short protein forms W58S.
Identifiers: ClinVar variation 2812875 (VCV002812875.3), dbSNP rs983662386, ClinGen allele CA307810677.
Genomic context (GRCh38, chr19:35,746,714, plus strand): 5'-AAGTCTGGAGAGCAGCCGGAGGCCAACCCTTCCAGCTTCTGTTTCCCATGACAGATGTCT[G>C]GCGCTCAGCTGTGGGCTTCCTCTTCTGGGTGATAGTGCTCACCTCCTGGATCACCATCTT-3'
Protein context (NP_758844.1, residues 48-68): TEQSQIKGYV[Trp58Ser]RSAVGFLFWV